The following is an entry in ClinVar:

ClinVar aggregate classification (germline): Uncertain significance (1 of 4 stars; one submission).

Conditions:
Alpha thalassemia-X-linked intellectual disability syndrome (ATRX). Also called: ATR-X syndrome; Alpha thalassemia mental retardation syndrome, nondeletion type, X-linked; XLMR hypotonic face syndrome; X-linked alpha-thalassemia-mental retardation syndrome; ALPHA-THALASSEMIA/IMPAIRED INTELLECTUAL DEVELOPMENT SYNDROME, X-LINKED; ALPHA-THALASSEMIA/MENTAL RETARDATION SYNDROME, X-LINKED. Identifiers: Orphanet 847, MedGen C1845055, MONDO:0010519, OMIM 301040.

Submission:

Labcorp Genetics (formerly Invitae), Labcorp
Classification: Uncertain significance for Alpha thalassemia-X-linked intellectual disability syndrome. Last evaluated: 2021-06-09. Review status: criteria provided, single submitter. Criteria: Invitae Variant Classification Sherloc (09022015). Collection method: clinical testing. Allele origin: germline.
Comment: In summary, the available evidence is currently insufficient to determine the role of this variant in disease. Therefore, it has been classified as a Variant of Uncertain Significance This variant has not been reported in the literature in individuals with ATRX-related conditions This variant is a complex rearrangement that results in the duplication of exons 1-15 and exons 20-35 of the ATRX gene. Exons 16-19 appear to have normal copy number. There is also some indication that the surrounding sequence could be disrupted, but the exact nature of this event is unknown

NC_000023.10:g.(?_76759357)_(77042755_?)dup

Gene: ATRX (ATRX chromatin remodeler; minus strand). Cytogenetic location: Xq21.1.
Variant type: Duplication.
Identifiers: ClinVar variation 1420511 (VCV001420511.9).